The following is an entry in ClinVar:

ClinVar aggregate classification (germline): Uncertain significance (1 of 4 stars; one submission).

Submission:

GeneDx
Classification: Uncertain significance. Last evaluated: 2023-02-06. Review status: criteria provided, single submitter. Criteria: GeneDx Variant Classification Process June 2021. Collection method: clinical testing. Allele origin: germline. Affected: yes.
Comment: Has not been previously published as pathogenic or benign to our knowledge; Not observed at significant frequency in large population cohorts (gnomAD); In silico analysis supports that this missense variant does not alter protein structure/function

NM_031407.7(HUWE1):c.5926G>A (p.Val1976Ile)

Gene: HUWE1 (HECT, UBA and WWE domain containing E3 ubiquitin protein ligase 1; minus strand). Cytogenetic location: Xp11.22.
Variant type: single nucleotide variant.
Coding change: c.5926G>A on transcript NM_031407.7 (MANE Select); coding-DNA position 5926, G replaced by A.
Protein change: p.Val1976Ile; replaces valine 1976 with isoleucine.
Molecular consequence: missense variant.
Genome position (GRCh38, 1-based): chrX:53,575,747, C>T on the plus strand (G>A on the coding strand, the complement: HUWE1 is on the minus strand). VCF-style: chrX-53575747-C-T. GRCh37 (hg19) VCF-style: chrX-53602707-C-T.
Other names: short protein forms V1976I.
Identifiers: ClinVar variation 2428928 (VCV002428928.2), dbSNP rs2524813657, ClinGen allele CA413171175.